The following is an entry in ClinVar:

NM_000642.3(AGL):c.1175del (p.His392fs)

Gene: AGL (amylo-alpha-1,6-glucosidase and 4-alpha-glucanotransferase; plus strand). Cytogenetic location: 1p21.2.
Variant type: Deletion.
Coding change: c.1175del on transcript NM_000642.3 (MANE Select); coding-DNA position 1175, one base deleted (A; older notation c.1175delA).
Protein change: p.His392fs; shifts the reading frame from histidine 392.
Molecular consequence: frameshift variant.
Genome position (GRCh38, 1-based): chr1:99,875,246, A deleted. VCF-style (leftmost placement, unchanged base first): chr1-99875245-CA-C. GRCh37 (hg19) VCF-style: chr1-100340801-CA-C.
Other names: c.1175delA, p.His392Leufs (NM_000028.3, NM_000643.3, NM_000644.3 and 2 more transcripts); c.1127delA, p.His376Leufs (NM_000646.3); c.971delA, p.His324Leufs (NM_001425328.1, NM_001425329.1); c.797delA, p.His266Leufs (NM_001425332.1); short protein forms H376fs, H392fs.
Identifiers: ClinVar variation 1452488 (VCV001452488.6), dbSNP rs2101128055, ClinGen allele CA2573132631.

ClinVar aggregate classification (germline): Pathogenic (1 of 4 stars; one submission).

Conditions:
Glycogen storage disease type III (GSD3). Also called: FORBES DISEASE; Cori disease. Identifiers: Orphanet 366, MedGen C0017922, MONDO:0009291, OMIM 232400.

Submission:

Labcorp Genetics (formerly Invitae), Labcorp
Classification: Pathogenic for Glycogen storage disease type III. Last evaluated: 2022-10-14. Review status: criteria provided, single submitter. Criteria: Invitae Variant Classification Sherloc (09022015). Collection method: clinical testing. Allele origin: germline.
Comment: This variant has not been reported in the literature in individuals affected with AGL-related conditions. For these reasons, this variant has been classified as Pathogenic. Algorithms developed to predict the effect of sequence changes on RNA splicing suggest that this variant may disrupt the consensus splice site. ClinVar contains an entry for this variant (Variation ID: 1452488). This variant is not present in population databases (gnomAD no frequency). This sequence change creates a premature translational stop signal (p.His392Leufs*25) in the AGL gene. It is expected to result in an absent or disrupted protein product. Loss-of-function variants in AGL are known to be pathogenic (PMID: 19299494).

Literature cited by the submitters: PubMed 19299494.